The following is an entry in ClinVar:

NM_133433.4(NIPBL):c.6589+4A>G

Gene: NIPBL (NIPBL cohesin loading factor; plus strand). Cytogenetic location: 5p13.2.
Variant type: single nucleotide variant.
Coding change: c.6589+4A>G on transcript NM_133433.4 (MANE Select); 4 bases into the intron after coding-DNA position 6589, A replaced by G.
Molecular consequence: intron variant.
Genome position (GRCh38, 1-based): chr5:37,046,203, A>G. VCF-style: chr5-37046203-A-G. GRCh37 (hg19) VCF-style: chr5-37046305-A-G.
Other names: c.6589+4A>G (NM_015384.5).
Identifiers: ClinVar variation 3718557 (VCV003718557.4).

ClinVar aggregate classification (germline): Conflicting classifications of pathogenicity. Review status: criteria provided, conflicting classifications (1 of 4 stars). 2 submissions from 2 submitters: Uncertain significance (1); Likely benign (1). Last evaluated 2025-10-03.

Conditions:
Cornelia de Lange syndrome 1 (CDLS1). Also called: NIPBL-Related Cornelia de Lange Syndrome; TYPUS DEGENERATIVUS AMSTELODAMENSIS; Brachmann de Lange syndrome. Identifiers: Orphanet 199, MedGen C4551851, MONDO:0007387, OMIM 122470.

gnomAD v4.1: 28 of 1,499,414 alleles (0.0019%); highest among the groups gnomAD compares: East Asian, 0.014%; no homozygotes.

Submissions (4):

Labcorp Genetics (formerly Invitae), Labcorp
Classification: Uncertain significance for Cornelia de Lange syndrome 1. Last evaluated: 2025-10-03. Review status: criteria provided, single submitter. Criteria: Invitae Variant Classification Sherloc (09022015). Collection method: clinical testing. Allele origin: germline.
Comment: This sequence change falls in intron 38 of the NIPBL gene. It does not directly change the encoded amino acid sequence of the NIPBL protein. It affects a nucleotide within the consensus splice site. This variant is present in population databases (rs534597253, gnomAD 0.01%). This variant has not been reported in the literature in individuals affected with NIPBL-related conditions. ClinVar contains an entry for this variant (Variation ID: 3718557). Variants that disrupt the consensus splice site are a relatively common cause of aberrant splicing (PMID: 17576681, 9536098). Algorithms developed to predict the effect of sequence changes on RNA splicing suggest that this variant is not likely to affect RNA splicing. In summary, the available evidence is currently insufficient to determine the role of this variant in disease. Therefore, it has been classified as a Variant of Uncertain Significance.

Blueprint Genetics
Classification: Likely benign. Last evaluated: 2023-04-11. Review status: criteria provided, single submitter. Criteria: ACMG Guidelines, 2015. Collection method: clinical testing. Allele origin: germline.

Dr. Peter K. Rogan Lab, Western University
No classification provided (evidence only). Condition: Ovarian serous cystadenocarcinoma. Review status: no classification provided. Collection method: in vitro. Allele origin: not applicable. Functional consequence: retained intron. Not counted in ClinVar's aggregate classification.

Dr. Peter K. Rogan Lab, Western University
No classification provided (evidence only). Condition: Clear cell carcinoma of kidney. Review status: no classification provided. Collection method: in vitro. Allele origin: not applicable. Functional consequence: retained intron. Not counted in ClinVar's aggregate classification.

Literature cited by the submitters: PubMed 17576681 (cited by Labcorp Genetics (formerly Invitae), Labcorp); PubMed 9536098 (cited by Labcorp Genetics (formerly Invitae), Labcorp).